The following is an entry in ClinVar:

NM_001145073.3(USP27X):c.1011G>A (p.Pro337=)

Gene: USP27X (ubiquitin specific peptidase 27 X-linked; plus strand). Cytogenetic location: Xp11.23.
Variant type: single nucleotide variant.
Coding change: c.1011G>A on transcript NM_001145073.3 (MANE Select); coding-DNA position 1011, G replaced by A.
Protein change: p.Pro337=; no amino-acid change (proline 337 retained).
Molecular consequence: synonymous variant.
Genome position (GRCh38, 1-based): chrX:49,881,318, G>A. VCF-style: chrX-49881318-G-A. GRCh37 (hg19) VCF-style: chrX-49645921-G-A.
Identifiers: ClinVar variation 3770800 (VCV003770800.13).

ClinVar aggregate classification (germline): Likely benign (1 of 4 stars; one submission).

Submission:

CeGaT Center for Human Genetics Tuebingen
Classification: Likely benign. Last evaluated: 2025-02-01. Review status: criteria provided, single submitter. Criteria: CeGaT Center For Human Genetics Tuebingen Variant Classification Criteria Version 2. Collection method: clinical testing. Allele origin: germline. Affected: yes. Observed: 1 variant allele.
Comment: USP27X: BP4, BP7, BS2